The following is an entry in ClinVar:

ClinVar aggregate classification (germline): Uncertain significance (1 of 4 stars; one submission).

Allele frequency attached by ClinVar (database versions not stated): gnomAD exomes below 0.00001.

Submission:

Labcorp Genetics (formerly Invitae), Labcorp
Classification: Uncertain significance. Last evaluated: 2021-02-28. Review status: criteria provided, single submitter. Criteria: Invitae Variant Classification Sherloc (09022015). Collection method: clinical testing. Allele origin: germline.
Comment: In summary, the available evidence is currently insufficient to determine the role of this variant in disease. Therefore, it has been classified as a Variant of Uncertain Significance. Algorithms developed to predict the effect of sequence changes on RNA splicing suggest that this variant may create or strengthen a splice site, but this prediction has not been confirmed by published transcriptional studies. Algorithms developed to predict the effect of missense changes on protein structure and function output the following: SIFT: "Deleterious"; PolyPhen-2: "Benign"; Align-GVGD: "Class C0". The glycine amino acid residue is found in multiple mammalian species, suggesting that this missense change does not adversely affect protein function. These predictions have not been confirmed by published functional studies and their clinical significance is uncertain. This variant has not been reported in the literature in individuals with TFRC-related conditions. This variant is not present in population databases (ExAC no frequency). This sequence change replaces aspartic acid with glycine at codon 400 of the TFRC protein (p.Asp400Gly). The aspartic acid residue is highly conserved and there is a moderate physicochemical difference between aspartic acid and glycine.

NM_001128148.3(TFRC):c.1199A>G (p.Asp400Gly)

Gene: TFRC (transferrin receptor; minus strand). Cytogenetic location: 3q29.
Variant type: single nucleotide variant.
Coding change: c.1199A>G on transcript NM_001128148.3 (MANE Select); coding-DNA position 1199, A replaced by G.
Protein change: p.Asp400Gly; replaces aspartic acid 400 with glycine.
Molecular consequence: missense variant.
Genome position (GRCh38, 1-based): chr3:196,064,428, T>C on the plus strand (A>G on the coding strand, the complement: TFRC is on the minus strand). VCF-style: chr3-196064428-T-C. GRCh37 (hg19) VCF-style: chr3-195791299-T-C.
Other names: c.956A>G, p.Asp319Gly (NM_001313965.2); c.353A>G, p.Asp118Gly (NM_001313966.2); c.1199A>G, p.Asp400Gly (NM_003234.4); short protein forms D319G, D118G, D400G.
Identifiers: ClinVar variation 1470899 (VCV001470899.8), dbSNP rs2108645628, ClinGen allele CA355571815.